The following is an entry in ClinVar:

NM_023036.6(DNAI2):c.1278C>T (p.Thr426=)

Gene: DNAI2 (dynein axonemal intermediate chain 2; plus strand). Cytogenetic location: 17q25.1.
Variant type: single nucleotide variant.
Coding change: c.1278C>T on transcript NM_023036.6 (MANE Select); coding-DNA position 1278, C replaced by T.
Protein change: p.Thr426=; no amino-acid change (threonine 426 retained).
Molecular consequence: synonymous variant. On other transcripts: non-coding transcript variant (1).
Genome position (GRCh38, 1-based): chr17:74,309,319, C>T. VCF-style: chr17-74309319-C-T. GRCh37 (hg19) VCF-style: chr17-72305458-C-T.
Other names: c.1278C>T, p.Thr426= (NM_001172810.3, NM_001353167.2); c.1278C>T (NM_023036.4).
Identifiers: ClinVar variation 1128124 (VCV001128124.34), dbSNP rs370421003, ClinGen allele CA293862877.

ClinVar aggregate classification (germline): Likely benign. Review status: criteria provided, multiple submitters, no conflicts (2 of 4 stars). 3 submissions from 3 submitters: Likely benign (3). Last evaluated 2024-10-24.

Conditions:
Primary ciliary dyskinesia. Also called: Ciliary dyskinesia. Identifiers: Orphanet 244, MedGen C0008780, MONDO:0016575, HP:0012265.

Allele frequency attached by ClinVar (database versions not stated): gnomAD 0.00002 and 0.00003; gnomAD exomes 0.00002 and 0.00005; TOPMed 0.00002; ESP Exome Variant Server 0.00008.
gnomAD v4.1: 73 of 1,614,010 alleles (0.0045%); highest among the groups gnomAD compares: Non-Finnish European, 0.0061%; no homozygotes.

Submissions (3):

Ambry Genetics
Classification: Likely benign for Primary ciliary dyskinesia. Last evaluated: 2024-10-24. Review status: criteria provided, single submitter. Criteria: Ambry Variant Classification Scheme 2023. Collection method: clinical testing. Allele origin: germline.

Labcorp Genetics (formerly Invitae), Labcorp
Classification: Likely benign for Primary ciliary dyskinesia. Last evaluated: 2024-01-31. Review status: criteria provided, single submitter. Criteria: Invitae Variant Classification Sherloc (09022015). Collection method: clinical testing. Allele origin: germline.

CeGaT Center for Human Genetics Tuebingen
Classification: Likely benign. Last evaluated: 2022-12-01. Review status: criteria provided, single submitter. Criteria: CeGaT Center For Human Genetics Tuebingen Variant Classification Criteria Version 2. Collection method: clinical testing. Allele origin: germline. Affected: yes. Observed: 1 variant allele.
Comment: DNAI2: BP4